The following is an entry in ClinVar:

NM_176787.5(PIGN):c.460G>C (p.Val154Leu)

Gene: PIGN (phosphatidylinositol glycan anchor biosynthesis class N; minus strand). Cytogenetic location: 18q21.33.
Variant type: single nucleotide variant.
Coding change: c.460G>C on transcript NM_176787.5 (MANE Select); coding-DNA position 460, G replaced by C.
Protein change: p.Val154Leu; replaces valine 154 with leucine.
Molecular consequence: missense variant.
Genome position (GRCh38, 1-based): chr18:62,154,634, C>G on the plus strand (G>C on the coding strand, the complement: PIGN is on the minus strand). VCF-style: chr18-62154634-C-G. GRCh37 (hg19) VCF-style: chr18-59821867-C-G.
Other names: c.460G>C, p.Val154Leu (NM_012327.6); short protein forms V154L.
Identifiers: ClinVar variation 1363481 (VCV001363481.6), dbSNP rs181730303, ClinGen allele CA402602904.
Genomic context (GRCh38, chr18:62,154,634, plus strand): 5'-GTTTTGTTGCATCTTGAGCACCAAAATCCTCTCTTTTAGCATCATAACTATATGTATAAA[C>G]GTGGTCTCCACTAGCACCTGAAAAGAAAATTTGGAAAAAATAATCTTTTTACAAAATCTT-3'
Protein context (NP_789744.1, residues 144-164): MFAKGASGDH[Val154Leu]YTYSYDAKRE

ClinVar aggregate classification (germline): Uncertain significance (1 of 4 stars; one submission).

Conditions:
Multiple congenital anomalies-hypotonia-seizures syndrome 1 (MCAHS1). Also called: PIGN-CDG; Congenital disorder of glycosylation due to PIGN deficiency; GLYCOSYLPHOSPHATIDYLINOSITOL BIOSYNTHESIS DEFECT 3. Identifiers: Orphanet 280633, MedGen C3279775, MONDO:0013563, OMIM 614080.

Submission:

Labcorp Genetics (formerly Invitae), Labcorp
Classification: Uncertain significance for Multiple congenital anomalies-hypotonia-seizures syndrome 1. Last evaluated: 2024-10-28. Review status: criteria provided, single submitter. Criteria: Invitae Variant Classification Sherloc (09022015). Collection method: clinical testing. Allele origin: germline.
Comment: This sequence change replaces valine, which is neutral and non-polar, with leucine, which is neutral and non-polar, at codon 154 of the PIGN protein (p.Val154Leu). This variant is not present in population databases (gnomAD no frequency). This variant has not been reported in the literature in individuals affected with PIGN-related conditions. ClinVar contains an entry for this variant (Variation ID: 1363481). Invitae Evidence Modeling of protein sequence and biophysical properties (such as structural, functional, and spatial information, amino acid conservation, physicochemical variation, residue mobility, and thermodynamic stability) has been performed for this missense variant. However, the output from this modeling did not meet the statistical confidence thresholds required to predict the impact of this variant on PIGN protein function. In summary, the available evidence is currently insufficient to determine the role of this variant in disease. Therefore, it has been classified as a Variant of Uncertain Significance.